The following is an entry in ClinVar:

NM_006648.4(WNK2):c.4465C>A (p.Pro1489Thr)

Gene: WNK2 (WNK lysine deficient protein kinase 2; plus strand). Cytogenetic location: 9q22.31.
Variant type: single nucleotide variant.
Coding change: c.4465C>A on transcript NM_006648.4 (MANE Select); coding-DNA position 4465, C replaced by A.
Protein change: p.Pro1489Thr; replaces proline 1489 with threonine.
Molecular consequence: missense variant.
Genome position (GRCh38, 1-based): chr9:93,289,219, C>A. VCF-style: chr9-93289219-C-A. GRCh37 (hg19) VCF-style: chr9-96051501-C-A.
Other names: c.4576C>A, p.Pro1526Thr (NM_001282394.3); short protein forms P1489T, P1526T.
Identifiers: ClinVar variation 3982175 (VCV003982175.1).

ClinVar aggregate classification (germline): Uncertain significance (1 of 4 stars; one submission).

gnomAD v4.1: 38 of 1,604,672 alleles (0.0024%); highest among the groups gnomAD compares: Non-Finnish European, 0.0032%; no homozygotes.

Submission:

Ambry Genetics
Classification: Uncertain significance. Last evaluated: 2025-06-06. Review status: criteria provided, single submitter. Criteria: Ambry Variant Classification Scheme 2023. Collection method: clinical testing. Allele origin: germline.
Comment: The p.P1489T variant (also known as c.4465C>A), located in coding exon 19 of the WNK2 gene, results from a C to A substitution at nucleotide position 4465. The proline at codon 1489 is replaced by threonine, an amino acid with highly similar properties. This amino acid position is conserved. In addition, this alteration is predicted to be tolerated by in silico analysis. Based on the available evidence, the clinical significance of this variant remains unclear.